The following is an entry in ClinVar:

NM_000135.4(FANCA):c.3398A>G (p.His1133Arg)

Genes: FANCA (FA complementation group A; minus strand), LOC132090450 (Neanderthal introgressed variant-containing enhancer experimental_46718; plus strand). Cytogenetic location: 16q24.3.
Variant type: single nucleotide variant.
Coding change: c.3398A>G on transcript NM_000135.4 (MANE Select); coding-DNA position 3398, A replaced by G.
Protein change: p.His1133Arg; replaces histidine 1133 with arginine.
Molecular consequence: missense variant.
Genome position (GRCh38, 1-based): chr16:89,746,841, T>C on the plus strand (A>G on the coding strand, the complement: FANCA is on the minus strand). VCF-style: chr16-89746841-T-C. GRCh37 (hg19) VCF-style: chr16-89813249-T-C.
Other names: c.3398A>G, p.His1133Arg (NM_001286167.3); short protein forms H1133R.
Identifiers: ClinVar variation 4254323 (VCV004254323.1).
Genomic context (GRCh38, chr16:89,746,841, plus strand): 5'-ACCCACGGCGTTCTGAGAAGGCCACGAGAGGGGCTGAGGGAGCATCTCACCCTGAAGAAG[T>C]GGGCAGTGATGTCCTGTGTCAGGGCACCTCCGTGGGAGCAGAAGTTTCTCTGCAAAAGAG-3'
Protein context (NP_000126.2, residues 1123-1143): GGALTQDITA[His1133Arg]FFRGLLNACL

ClinVar aggregate classification (germline): Uncertain significance (1 of 4 stars; one submission).

Conditions:
Inborn genetic diseases. Identifiers: MedGen C0950123, MeSH D030342.

gnomAD v4.1: 2 of 1,563,946 alleles (0.00013%); highest among the groups gnomAD compares: South Asian, 0.0023%; no homozygotes.

Submission:

Ambry Genetics
Classification: Uncertain significance for Inborn genetic diseases. Last evaluated: 2025-08-31. Review status: criteria provided, single submitter. Criteria: Ambry Variant Classification Scheme 2023. Collection method: clinical testing. Allele origin: germline.
Comment: The p.H1133R variant (also known as c.3398A>G), located in coding exon 34 of the FANCA gene, results from an A to G substitution at nucleotide position 3398. The histidine at codon 1133 is replaced by arginine, an amino acid with highly similar properties. This amino acid position is conserved. In addition, this alteration is predicted to be deleterious by in silico analysis. Based on the available evidence, the clinical significance of this variant remains unclear.